The following continues an entry in ClinVar:

NM_000257.4(MYH7):c.3169G>A (p.Gly1057Ser)

Gene: MYH7. ClinVar aggregate classification (germline): Likely pathogenic. Likely pathogenic (1).

Submissions 8 to 13 of 13:

CeGaT Center for Human Genetics Tuebingen
Classification: Likely pathogenic. Last evaluated: 2025-04-01. Review status: criteria provided, single submitter. Criteria: CeGaT Center For Human Genetics Tuebingen Variant Classification Criteria Version 2. Collection method: clinical testing. Allele origin: germline. Affected: yes. Observed: 2 variant alleles. Not counted in ClinVar's aggregate classification.
Comment: MYH7: PS4, PM2, PM5:Supporting, PP3

All of Us Research Program, National Institutes of Health
Classification: Likely pathogenic for Hypertrophic cardiomyopathy. Last evaluated: 2024-03-24. Review status: criteria provided, single submitter. Criteria: ACMG Guidelines, 2015. Collection method: clinical testing. Allele origin: germline. Inheritance: Autosomal dominant inheritance. Observed: 9 variant alleles, 9 heterozygotes. Not counted in ClinVar's aggregate classification.
Comment: This missense variant replaces glycine with serine at codon 1057 in the neck and hinge domain (S2) domain of the MYH7 protein. Computational prediction suggests that this variant may have a deleterious impact on protein structure and function (internally defined REVEL score threshold >= 0.7, PMID: 27666373). To our knowledge, functional studies have not been reported for this variant. This variant has been reported in over ten unrelated individuals affected with hypertrophic cardiomyopathy (PMID: 15358028, 27476098, 27532257, 30847666, 31568572, 33029862, 33495596, Kaam et al. 2019, doi: 10.1038/s41431-019-0404-7, ClinVar SCV000564443.5) or suspected of having hypertrophic cardiomyopathy (PMID: 24510615). This variant has been identified in 2/251486 chromosomes in the general population by the Genome Aggregation Database (gnomAD). Based on the available evidence, this variant is classified as Likely Pathogenic.

This study involves interpretation of variants in research participants for the purpose of population health screening. Participant phenotype was not available at the time of variant classification. Additional details can be found in publication PMID: 35346344, PMCID: PMC8962531

Blueprint Genetics
Classification: Likely pathogenic for MYH7-related disorders. Last evaluated: 2023-04-28. Review status: criteria provided, single submitter. Criteria: ACMG Guidelines, 2015. Collection method: clinical testing. Allele origin: germline. Affected: yes. Observed: 2 variant alleles. Not counted in ClinVar's aggregate classification.

Laboratory for Molecular Medicine, Mass General Brigham Personalized Medicine
Classification: Likely pathogenic for Hypertrophic cardiomyopathy. Last evaluated: 2022-02-24. Review status: criteria provided, single submitter. Criteria: ACMG Guidelines, 2015. Collection method: clinical testing. Allele origin: germline. Inheritance: Autosomal dominant inheritance. Not counted in ClinVar's aggregate classification.
Comment: The p.Gly1057Ser variant in MYH7 has been identified in >20 individuals with hypertrophic cardiomyopathy (HCM), including 1 individual with an additional variant in another gene that may contribute to their disease and in 2 individuals with DCM (Van Driest 2004 PMID: 15358028; Kapplinger 2014 PMID: 24510615, Walsh 2017 PMID: 27532257; Hazebroek 2018 PMID: 29540472; Ho 2018 PMID: 30297972; van Lint 2019 PMID: 30847666; Robyns 2020 PMID: 31513939; Verdonschot 2020 PMID: 32880476; Ambry pers. comm; ARUP pers. comm; GeneDx pers. comm.; Invitae pers. comm; LMM pers. comm.). This variant was absent from large population studies. Computational prediction tools and conservation analysis suggest that this variant may impact the protein (PP3). In addition, this variant was classified as likely pathogenic on Feb 25, 2019 by the ClinGen Cardiomyopathy Variant Curation Expert Panel (ClinVar Variation ID: 42950). In summary, this variant meets criteria to be classified as likely pathogenic for autosomal dominant HCM. ACMG/AMP Criteria applied: PS4, PM2_Supporting, PP3.

AiLife Diagnostics
Classification: Uncertain significance. Last evaluated: 2021-11-05. Review status: flagged submission. Criteria: ACMG Guidelines, 2015. Collection method: clinical testing. Allele origin: germline. Affected: yes. Observed: 1 variant allele. Not counted in ClinVar's aggregate classification.
ClinVar note: Reason: Conflicts with expert reviewed submission without evidence to support different classification

Center for Human Genetics, University of Leuven
Classification: Uncertain significance for Hypertrophic cardiomyopathy. Last evaluated: 2017-02-09. Review status: flagged submission. Criteria: ACMG Guidelines, 2015. Collection method: clinical testing. Allele origin: germline. Inheritance: Autosomal dominant inheritance. Affected: yes. Observed: 7 variant alleles. Not counted in ClinVar's aggregate classification.
Comment: ACMG score unknown significance
ClinVar note: Reason: Conflicts with expert reviewed submission without evidence to support different classification

Literature cited by the submitters: PubMed 29300372 (cited by 3 submitters); PubMed 15358028 (cited by 6 submitters); PubMed 27532257 (cited by 5 submitters); PubMed 29255176 (cited by Labcorp Genetics (formerly Invitae), Labcorp and Ambry Genetics); PubMed 30297972 (cited by 3 submitters); PubMed 30847666 (cited by 6 submitters); PubMed 31513939 (cited by 4 submitters); PubMed 29398688 (cited by Labcorp Genetics (formerly Invitae), Labcorp); PubMed 16199542 (cited by Ambry Genetics and Laboratory for Molecular Medicine, Mass General Brigham Personalized Medicine); PubMed 24510615 (cited by 4 submitters); PubMed 29540472 (cited by Ambry Genetics and AiLife Diagnostics); PubMed 32880476 (cited by 3 submitters); PubMed 32894683 (cited by Ambry Genetics and AiLife Diagnostics); PubMed 33029862 (cited by 3 submitters); PubMed 33495597 (cited by Ambry Genetics); PubMed 33764162 (cited by Ambry Genetics); PubMed 27476098 (cited by Color Diagnostics, LLC DBA Color Health and All of Us Research Program, National Institutes of Health); PubMed 31568572 (cited by Color Diagnostics, LLC DBA Color Health and All of Us Research Program, National Institutes of Health); PubMed 33495596 (cited by Color Diagnostics, LLC DBA Color Health and All of Us Research Program, National Institutes of Health); PubMed 37198425 (cited by Color Diagnostics, LLC DBA Color Health).